The following is an entry in ClinVar:

NM_144596.4(TTC8):c.798+2T>C

Gene: TTC8 (tetratricopeptide repeat domain 8; plus strand). Cytogenetic location: 14q31.3.
Variant type: single nucleotide variant.
Coding change: c.798+2T>C on transcript NM_144596.4 (MANE Select); the canonical splice donor site of the intron after coding-DNA position 798, T replaced by C.
Molecular consequence: splice donor variant.
Genome position (GRCh38, 1-based): chr14:88,857,279, T>C. VCF-style: chr14-88857279-T-C. GRCh37 (hg19) VCF-style: chr14-89323623-T-C.
Other names: c.204+2T>C (NM_001288782.1); c.846+2T>C (NM_001288781.1); c.768+2T>C (NM_198309.3, NM_001366535.2); c.81+2T>C (NM_001288783.1); c.678+2T>C (NM_198310.3, NM_001366536.2).
Identifiers: ClinVar variation 3544447 (VCV003544447.1).

ClinVar aggregate classification (germline): Pathogenic (1 of 4 stars; one submission).

Conditions:
Retinitis pigmentosa (RP). Identifiers: Orphanet 791, MedGen C0035334, MeSH D012174, MONDO:0019200, OMIM 268000. Inheritance: Autosomal dominant, autosomal recessive and X linked inheritance.

Submission:

Lab De Baere, Eye and Developmental Genetics Lab, Ghent University
Classification: Pathogenic for Retinitis pigmentosa. Last evaluated: 2024-10-01. Review status: criteria provided, single submitter. Criteria: ACMG Guidelines, 2015. Collection method: research. Allele origin: inherited. Affected: yes. Observed: 1 variant allele.
Comment: ACMG/AMP guidelines: PM2, PVS1, PM3_PP